The following is an entry in ClinVar:

ClinVar aggregate classification (germline): Uncertain significance (1 of 4 stars; one submission).

Conditions:
Developmental and epileptic encephalopathy, 37 (DEE37). Also called: Epileptic encephalopathy, early infantile, 37. Identifiers: MedGen C4310770, MONDO:0014859, OMIM 616981.

Allele frequency attached by ClinVar (database versions not stated): gnomAD exomes below 0.00001; gnomAD 0.00001; TOPMed 0.00002.

Submission:

Labcorp Genetics (formerly Invitae), Labcorp
Classification: Uncertain significance for Developmental and epileptic encephalopathy, 37. Last evaluated: 2022-01-14. Review status: criteria provided, single submitter. Criteria: Invitae Variant Classification Sherloc (09022015). Collection method: clinical testing. Allele origin: germline.
Comment: In summary, the available evidence is currently insufficient to determine the role of this variant in disease. Therefore, it has been classified as a Variant of Uncertain Significance. Algorithms developed to predict the effect of missense changes on protein structure and function are either unavailable or do not agree on the potential impact of this missense change (SIFT: "Tolerated"; PolyPhen-2: "Possibly Damaging"; Align-GVGD: "Class C15"). This variant has not been reported in the literature in individuals affected with FRRS1L-related conditions. This variant is present in population databases (no rsID available, gnomAD 0.003%). This sequence change replaces methionine, which is neutral and non-polar, with threonine, which is neutral and polar, at codon 211 of the FRRS1L protein (p.Met211Thr).

NM_014334.4(FRRS1L):c.479T>C (p.Met160Thr)

Gene: FRRS1L (ferric chelate reductase 1 like; minus strand). Cytogenetic location: 9q31.3.
Variant type: single nucleotide variant.
Coding change: c.479T>C on transcript NM_014334.4 (MANE Select); coding-DNA position 479, T replaced by C.
Protein change: p.Met160Thr; replaces methionine 160 with threonine.
Molecular consequence: missense variant.
Genome position (GRCh38, 1-based): chr9:109,141,573, A>G on the plus strand (T>C on the coding strand, the complement: FRRS1L is on the minus strand). VCF-style: chr9-109141573-A-G. GRCh37 (hg19) VCF-style: chr9-111903853-A-G.
Other names: short protein forms M160T.
Identifiers: ClinVar variation 1515709 (VCV001515709.6), dbSNP rs1456623453, ClinGen allele CA374425318.